The following is an entry in ClinVar:

ClinVar aggregate classification (germline): Likely pathogenic (1 of 4 stars; one submission).

Submission:

Labcorp Genetics (formerly Invitae), Labcorp
Classification: Likely pathogenic. Last evaluated: 2024-04-19. Review status: criteria provided, single submitter. Criteria: Invitae Variant Classification Sherloc (09022015). Collection method: clinical testing. Allele origin: germline.
Comment: This sequence change replaces isoleucine, which is neutral and non-polar, with methionine, which is neutral and non-polar, at codon 3 of the BEST1 protein (p.Ile3Met). This variant is not present in population databases (gnomAD no frequency). This variant has not been reported in the literature in individuals affected with BEST1-related conditions. Advanced modeling of protein sequence and biophysical properties (such as structural, functional, and spatial information, amino acid conservation, physicochemical variation, residue mobility, and thermodynamic stability) performed at Invitae indicates that this missense variant is expected to disrupt BEST1 protein function with a positive predictive value of 95%. This variant disrupts the p.Ile3 amino acid residue in BEST1. Other variant(s) that disrupt this residue have been determined to be pathogenic (PMID: 26099059; Invitae). This suggests that this residue is clinically significant, and that variants that disrupt this residue are likely to be disease-causing. In summary, the currently available evidence indicates that the variant is pathogenic, but additional data are needed to prove that conclusively. Therefore, this variant has been classified as Likely Pathogenic.

Literature cited by the submitters: PubMed 26099059.

NM_004183.4(BEST1):c.9C>G (p.Ile3Met)

Gene: BEST1 (bestrophin 1; plus strand). Cytogenetic location: 11q12.3.
Variant type: single nucleotide variant.
Coding change: c.9C>G on transcript NM_004183.4 (MANE Select); coding-DNA position 9, C replaced by G.
Protein change: p.Ile3Met; replaces isoleucine 3 with methionine.
Molecular consequence: missense variant. On other transcripts: intron variant (6), non-coding transcript variant (1).
Genome position (GRCh38, 1-based): chr11:61,951,815, C>G. VCF-style: chr11-61951815-C-G. GRCh37 (hg19) VCF-style: chr11-61719287-C-G.
Other names: c.-29+1388C>G (NM_001300787.2, NM_001440574.1, NM_001300786.2 and 3 more transcripts); c.9C>G, p.Ile3Met (NM_001363592.2, NM_001440571.1, NM_001440572.1 and 1 more transcripts); short protein forms I3M.
Identifiers: ClinVar variation 3634167 (VCV003634167.2).